The following is an entry in ClinVar:

ClinVar aggregate classification (germline): Pathogenic. Review status: criteria provided, multiple submitters, no conflicts (2 of 4 stars). 11 submissions from 11 submitters: Pathogenic (10). 1 of the submissions does not count toward it. Last evaluated 2026-07-09.

Conditions:
BTD-related disorder. Also called: BTD-related condition.
Biotinidase deficiency. Also called: Biotin deficiency; BTD deficiency; Late-onset biotin-responsive multiple carboxylase deficiency. Identifiers: Orphanet 79241, MedGen C0220754, MONDO:0009665, OMIM 253260.

Allele frequency attached by ClinVar (database versions not stated): ExAC 0.00002; TOPMed 0.00002; gnomAD exomes 0.00004 and 0.00010; gnomAD 0.00005 and 0.00006.
gnomAD v4.1: 151 of 1,613,818 alleles (0.0094%); highest among the groups gnomAD compares: Non-Finnish European, 0.012%; no homozygotes.

Submissions (11):

PreventionGenetics, part of Exact Sciences
Classification: Pathogenic for BTD-related condition. Last evaluated: 2026-07-09. Review status: criteria provided, single submitter. Criteria: ACMG Guidelines, 2015. Collection method: clinical testing. Allele origin: germline.
Comment: The BTD c.755A>G variant is predicted to result in the amino acid substitution p.Asp252Gly. This variant has been reported in the homozygous state or along with additional pathogenic BTD variants in numerous patients with profound or partial biotinidase deficiency; in the homozygous state, it is associated with profound deficiency (see, for example, Wolf et al. 1997. PubMed ID: 9375914; Neto et al. 2004. PubMed ID: 15060693; Cowan et al. 2012. PubMed ID: 22698809; Wolf 2016. PubMed ID: 27657684). This variant is reported in 0.0085% of alleles in individuals of European (Non-Finnish) descent in gnomAD. It has been interpreted as pathogenic by multiple submitters to ClinVar (Variation ID: 1901). Taken together, this variant is interpreted as pathogenic.

Dasa
Classification: Pathogenic. Last evaluated: 2026-01-15. Review status: criteria provided, single submitter. Criteria: DASA Assertion Criteria. Collection method: clinical testing. Allele origin: germline.
Comment: NM_001370658.1(BTD):c.695A>G (p.Asp232Gly) is a missense variant that results in the substitution of aspartic acid with glycine. This variant has been recurrently observed in individuals with related phenotype (PMID: 9375914; PMID: 22698809; PMID: 25174816; PMID: 26810761; PMID: 27629047). The variant is present at low frequency in population datasets. Based on the available data, this variant is classified as pathogenic.

Labcorp Genetics (formerly Invitae), Labcorp
Classification: Pathogenic for Biotinidase deficiency. Last evaluated: 2026-01-13. Review status: criteria provided, single submitter. Criteria: Invitae Variant Classification Sherloc (09022015). Collection method: clinical testing. Allele origin: germline.
Comment: This sequence change replaces aspartic acid, which is acidic and polar, with glycine, which is neutral and non-polar, at codon 252 of the BTD protein (p.Asp252Gly). This variant is present in population databases (rs28934601, gnomAD 0.009%). This missense change has been observed in individual(s) with biotinidase deficiency (PMID: 22698809, 26810761, 27629047, 27657684, 28498829). ClinVar contains an entry for this variant (Variation ID: 1901). Invitae Evidence Modeling of protein sequence and biophysical properties (such as structural, functional, and spatial information, amino acid conservation, physicochemical variation, residue mobility, and thermodynamic stability) indicates that this missense variant is expected to disrupt BTD protein function with a positive predictive value of 95%. For these reasons, this variant has been classified as Pathogenic.

Variantyx, Inc.
Classification: Pathogenic for Biotinidase deficiency. Last evaluated: 2025-09-16. Review status: criteria provided, single submitter. Criteria: Variantyx Assertion Criteria 2022. Collection method: clinical testing. Allele origin: germline. Inheritance: Autosomal recessive inheritance. Affected: yes.
Comment: This is a nonsynonymous variant in the BTD gene (OMIM: 609019). Pathogenic variants in this gene have been associated with autosomal recessive biotinidase deficiency. This variant has been identified in the homozygous or compound heterozygous state in many individuals reported in the published literature (PMID: 22698809, 26361991, 26810761, 27629047, 27657684, 38299772) and in previous internal cases (PM3). Computational algorithms produce conflicting evidence regarding the predicted functional impact of this variant (REVEL score: 0.541), but functional studies have shown that this variant alters BTD protein function (PMID: 27657684) (PS3). This variant has a 0.0122% maximum allele frequency in non-founder control populations (PM2). Based on the current evidence, this variant is classified as pathogenic for autosomal recessive biotinidase deficiency.A

Natera, Inc.
Classification: Pathogenic for Biotinidase deficiency. Last evaluated: 2025-08-29. Review status: criteria provided, single submitter. Criteria: Natera Variant Classification Schema (03/2026). Collection method: clinical testing. Allele origin: germline.
Comment: The c.695A>G variant in BTD is a missense variant predicted to cause substitution of aspartic acid to glycine at amino acid 232. This variant is rare in the general population with a frequency below the threshold expected for the associated phenotype(s). This variant has been observed in one or more individuals affected with the associated recessive disease, as either homozygous or compound heterozygous with a second variant (PMID: 25174816). Given the available evidence, this variant is classified as Pathogenic.

GeneDx
Classification: Pathogenic. Last evaluated: 2025-02-07. Review status: criteria provided, single submitter. Criteria: GeneDx Variant Classification Process June 2021. Collection method: clinical testing. Allele origin: germline. Affected: yes.
Comment: Not observed at significant frequency in large population cohorts (gnomAD); In silico analysis supports that this missense variant has a deleterious effect on protein structure/function; Also known as p.(D252G); This variant is associated with the following publications: (PMID: 27065010, 9375914, 22698809, 11668630, 31801038, 25174816, 22975760, 26361991, 28498829, 27629047, 26810761, 35805799, 10400129, 15060693, 27657684, 38299772, 39688110)

Baylor Genetics
Classification: Pathogenic for Biotinidase deficiency. Last evaluated: 2024-03-27. Review status: criteria provided, single submitter. Criteria: ACMG Guidelines, 2015. Collection method: clinical testing. Allele origin: unknown.

Myriad Genetics, Inc.
Classification: Pathogenic for Biotinidase deficiency. Last evaluated: 2019-12-09. Review status: criteria provided, single submitter. Criteria: Myriad Women's Health Autosomal Recessive and X-Linked Classification Criteria (2019). Collection method: clinical testing. Allele origin: unknown.
Comment: NM_000060.2(BTD):c.755A>G(D252G) is classified as pathogenic in the context of biotinidase deficiency and is seen in patients with both partial and profound biotinidase deficiency. Sources cited for classification include the following: PMID 10400129, 25174816, 15060693, 22698809 and 26361991. Classification of NM_000060.2(BTD):c.755A>G(D252G) is based on the following criteria: This is a well-established pathogenic variant in the literature that has been observed more frequently in patients with clinical diagnoses than in healthy populations. Please note: this variant was assessed in the context of healthy population screening.

Fulgent Genetics
Classification: Pathogenic for Biotinidase deficiency. Last evaluated: 2018-10-31. Review status: criteria provided, single submitter. Criteria: ACMG Guidelines, 2015. Collection method: clinical testing. Allele origin: unknown.

Quest Diagnostics Nichols Institute San Juan Capistrano
Classification: Pathogenic. Last evaluated: 2016-10-27. Review status: criteria provided, single submitter. Criteria: Quest Diagnostics criteria. Collection method: clinical testing. Allele origin: germline.

OMIM
Classification: Pathogenic for BIOTINIDASE DEFICIENCY. Last evaluated: 1997-11-28. Review status: no assertion criteria provided. Collection method: literature only. Allele origin: germline. Not counted in ClinVar's aggregate classification.

Literature cited by the submitters: PubMed 9375914 (cited by 3 submitters); PubMed 22698809 (cited by 5 submitters); PubMed 25174816 (cited by 4 submitters); PubMed 26810761 (cited by 4 submitters); PubMed 27629047 (cited by 4 submitters); PubMed 27657684 (cited by 3 submitters); PubMed 28498829 (cited by Dasa and Labcorp Genetics (formerly Invitae), Labcorp); PubMed 26361991 (cited by 3 submitters); PubMed 38299772 (cited by Variantyx, Inc.); PubMed 10400129 (cited by Myriad Genetics, Inc. and Quest Diagnostics Nichols Institute San Juan Capistrano); PubMed 15060693 (cited by Myriad Genetics, Inc.); PubMed 22975760 (cited by Quest Diagnostics Nichols Institute San Juan Capistrano); PubMed 11668630 (cited by Quest Diagnostics Nichols Institute San Juan Capistrano).

NM_001370658.1(BTD):c.695A>G (p.Asp232Gly)

Gene: BTD (biotinidase; plus strand). Cytogenetic location: 3p25.1.
Variant type: single nucleotide variant.
Coding change: c.695A>G on transcript NM_001370658.1 (MANE Select); coding-DNA position 695, A replaced by G.
Protein change: p.Asp232Gly; replaces aspartic acid 232 with glycine.
Molecular consequence: missense variant. On other transcripts: intron variant (1).
Genome position (GRCh38, 1-based): chr3:15,644,611, A>G. VCF-style: chr3-15644611-A-G. GRCh37 (hg19) VCF-style: chr3-15686118-A-G.
Other names: D252G; c.695A>G, p.Asp232Gly (NM_001407366.1, NM_001407367.1, NM_001407368.1 and 18 more transcripts); c.755A>G, p.Asp252Gly (NM_000060.4); c.399+2554A>G (NM_001370753.1); short protein forms D232G.
Identifiers: ClinVar variation 1901 (VCV000001901.28), dbSNP rs28934601, ClinGen allele CA278012.
Genomic context (GRCh38, chr3:15,644,611, plus strand): 5'-TTGATACCCCCTTTGCTGGCAGGTTTGGCATCTTCACATGCTTTGATATATTGTTCTTTG[A>G]CCCTGCCATCAGAGTCCTCAGAGACTACAAGGTGAAGCATGTTGTGTACCCAACTGCCTG-3'
Protein context (NP_001357587.1, residues 222-242): IFTCFDILFF[Asp232Gly]PAIRVLRDYK